The following is an entry in ClinVar:

ClinVar aggregate classification (germline): Pathogenic (1 of 4 stars; one submission).

Conditions:
VPS13A-related neurodegenerative disease. Also called: ACANTHOCYTOSIS WITH NEUROLOGIC DISORDER; LEVINE-CRITCHLEY SYNDROME; Choreoacanthocytosis; Chorea-acanthocytosis; Choreaacanthocytosis; VPS13A Disease. Identifiers: Orphanet 2388, MedGen C0393576, MONDO:0008695, OMIM 200150.

Submission:

Myriad Genetics, Inc.
Classification: Pathogenic for VPS13A-related neurodegenerative disease. Last evaluated: 2024-05-14. Review status: criteria provided, single submitter. Criteria: Myriad Autosomal Dominant, Autosomal Recessive and X-Linked Classification Criteria (2023). Collection method: clinical testing. Allele origin: unknown.
Comment: NM_033305.2(VPS13A):c.4216delG(V1406Cfs*20) is expected to be pathogenic in the context of VPS13A disease. This variant is predicted to lead to an abnormal or absent protein product due to the creation of a premature termination codon in VPS13A, a gene where loss-of-function variants are known to be pathogenic. Please note: this variant was assessed in the context of healthy population screening.

NM_033305.3(VPS13A):c.4216del (p.Val1406fs)

Gene: VPS13A (vacuolar protein sorting 13 homolog A; plus strand). Cytogenetic location: 9q21.2.
Variant type: Deletion.
Coding change: c.4216del on transcript NM_033305.3 (MANE Select); coding-DNA position 4216, one base deleted (G; older notation c.4216delG).
Protein change: p.Val1406fs; shifts the reading frame from valine 1406.
Molecular consequence: frameshift variant.
Genome position (GRCh38, 1-based): chr9:77,314,093, G deleted; the last of 2 consecutive G bases (chr9:77,314,092-77,314,093); deleting either gives the same sequence. VCF-style (leftmost placement, unchanged base first): chr9-77314091-TG-T. GRCh37 (hg19) VCF-style: chr9-79929007-TG-T.
Other names: c.4099del, p.Val1367fs (NM_001018037.2); c.4216del, p.Val1406fs (NM_001018038.3, NM_015186.4); short protein forms V1367fs, V1406fs.
Identifiers: ClinVar variation 5011765 (VCV005011765.1).